The following is an entry in ClinVar:

NM_007294.4(BRCA1):c.5467+25C>G

Gene: BRCA1 (BRCA1 DNA repair associated; minus strand). Cytogenetic location: 17q21.31.
Variant type: single nucleotide variant.
Coding change: c.5467+25C>G on transcript NM_007294.4 (MANE Select); 25 bases into the intron after coding-DNA position 5467, C replaced by G.
Molecular consequence: intron variant.
Genome position (GRCh38, 1-based): chr17:43,047,618, G>C on the plus strand (C>G on the coding strand, the complement: BRCA1 is on the minus strand). VCF-style: chr17-43047618-G-C. GRCh37 (hg19) VCF-style: chr17-41199635-G-C.
Other names: c.2017+25C>G (NM_001408453.1, NM_001408455.1, NM_001408452.1 and 3 more transcripts); c.5323+25C>G (NM_001407737.1, NM_001407746.1, NM_001407738.1 and 18 more transcripts); c.5326+25C>G (NM_001407728.1, NM_007297.4, NM_001407731.1 and 12 more transcripts); c.2014+25C>G (NM_001408461.1, NM_001408464.1, NM_001408467.1 and 7 more transcripts); c.5257+25C>G (NM_001407886.1, NM_001407881.1, NM_001407887.1 and 5 more transcripts); c.5338+25C>G (NM_001407686.1, NM_001407685.1, NM_001407688.1 and 6 more transcripts); c.2152+25C>G (NM_001408397.1, NM_001408401.1, NM_001408396.1 and 7 more transcripts); c.5461+25C>G (NM_001407632.1, NM_001407627.1, NM_001407635.1 and 13 more transcripts); and 83 more.
Identifiers: ClinVar variation 864902 (VCV000864902.3), dbSNP rs2050970617, ClinGen allele CA916080720.

Conditions:
Breast-ovarian cancer, familial, susceptibility to, 1 (BROVCA1). Also called: BRCA1 Hereditary Breast and Ovarian Cancer; OVARIAN CANCER, SUSCEPTIBILITY TO. Identifiers: Orphanet 145, MedGen C2676676, MONDO:0011450, OMIM 604370. Disease mechanism: loss of function.

Submission:

Brotman Baty Institute, University of Washington
No classification provided (evidence only). Condition: Breast-ovarian cancer, familial 1. Review status: no classification provided. Collection method: in vitro. Allele origin: not applicable. Functional consequence: functionally_normal.
ClinVar note: "not provided" was previously submitted as the classification for the variant. However, the classification appeared to be based only on an observation of functional data so it was converted to no classification on 2025-07-30.